The following is an entry in ClinVar:

NM_033026.6(PCLO):c.12398G>A (p.Arg4133His)

Gene: PCLO (piccolo presynaptic cytomatrix protein; minus strand). Cytogenetic location: 7q21.11.
Variant type: single nucleotide variant.
Coding change: c.12398G>A on transcript NM_033026.6 (MANE Select); coding-DNA position 12398, G replaced by A.
Protein change: p.Arg4133His; replaces arginine 4133 with histidine.
Molecular consequence: missense variant.
Genome position (GRCh38, 1-based): chr7:82,915,588, C>T on the plus strand (G>A on the coding strand, the complement: PCLO is on the minus strand). VCF-style: chr7-82915588-C-T. GRCh37 (hg19) VCF-style: chr7-82544904-C-T.
Other names: c.12398G>A, p.Arg4133His (NM_014510.3); short protein forms R4133H.
Identifiers: ClinVar variation 1352494 (VCV001352494.3), dbSNP rs752661745, ClinGen allele CA4319377.

ClinVar aggregate classification (germline): Uncertain significance (1 of 4 stars; one submission).

Allele frequency attached by ClinVar (database versions not stated): ExAC 0.00002; gnomAD exomes 0.00002; gnomAD 0.00003; TOPMed 0.00003.
gnomAD v4.1: 54 of 1,613,486 alleles (0.0033%); highest among the groups gnomAD compares: Middle Eastern, 0.017%; no homozygotes.

Submission:

Labcorp Genetics (formerly Invitae), Labcorp
Classification: Uncertain significance. Last evaluated: 2022-05-16. Review status: criteria provided, single submitter. Criteria: Invitae Variant Classification Sherloc (09022015). Collection method: clinical testing. Allele origin: germline.
Comment: This sequence change replaces arginine, which is basic and polar, with histidine, which is basic and polar, at codon 4133 of the PCLO protein (p.Arg4133His). This variant is present in population databases (rs752661745, gnomAD 0.007%). This variant has not been reported in the literature in individuals affected with PCLO-related conditions. Algorithms developed to predict the effect of missense changes on protein structure and function are either unavailable or do not agree on the potential impact of this missense change (SIFT: "Deleterious"; PolyPhen-2: "Not Available"; Align-GVGD: "Class C0"). In summary, the available evidence is currently insufficient to determine the role of this variant in disease. Therefore, it has been classified as a Variant of Uncertain Significance.